The following is an entry in ClinVar:

NM_004036.5(ADCY3):c.489C>T (p.His163=)

Gene: ADCY3 (adenylate cyclase 3; minus strand). Cytogenetic location: 2p23.3.
Variant type: single nucleotide variant.
Coding change: c.489C>T on transcript NM_004036.5 (MANE Select); coding-DNA position 489, C replaced by T.
Protein change: p.His163=; no amino-acid change (histidine 163 retained).
Molecular consequence: synonymous variant.
Genome position (GRCh38, 1-based): chr2:24,918,499, G>A on the plus strand (C>T on the coding strand, the complement: ADCY3 is on the minus strand). VCF-style: chr2-24918499-G-A. GRCh37 (hg19) VCF-style: chr2-25141368-G-A.
Other names: c.489C>T, p.His163= (NM_001320613.2, NM_001377128.1, NM_001377129.1 and 2 more transcripts).
Identifiers: ClinVar variation 3355002 (VCV003355002.1).

ClinVar aggregate classification (germline): Likely benign (0 of 4 stars; one submission).

Conditions:
ADCY3-related disorder. Also called: ADCY3-related condition.

Submission:

PreventionGenetics, part of Exact Sciences
Classification: Likely benign for ADCY3-related condition. Last evaluated: 2021-09-01. Review status: no assertion criteria provided. Collection method: clinical testing. Allele origin: germline.
Comment: This variant is classified as likely benign based on ACMG/AMP sequence variant interpretation guidelines (Richards et al. 2015 PMID: 25741868, with internal and published modifications).